The following is an entry in ClinVar:

NM_015215.4(CAMTA1):c.1224C>T (p.Ala408=)

Gene: CAMTA1 (calmodulin binding transcription activator 1; plus strand). Cytogenetic location: 1p36.23.
Variant type: single nucleotide variant.
Coding change: c.1224C>T on transcript NM_015215.4 (MANE Select); coding-DNA position 1224, C replaced by T.
Protein change: p.Ala408=; no amino-acid change (alanine 408 retained).
Molecular consequence: synonymous variant.
Genome position (GRCh38, 1-based): chr1:7,663,771, C>T. VCF-style: chr1-7663771-C-T. GRCh37 (hg19) VCF-style: chr1-7723831-C-T.
Other names: c.1224C>T (NM_015215.3); c.1134C>T, p.Ala378= (NM_001349608.2, NM_001349612.2); c.1224C>T, p.Ala408= (NM_001349609.2, NM_001349610.2, NM_001410737.1); c.1152C>T, p.Ala384= (NM_001410738.1).
Identifiers: ClinVar variation 2910600 (VCV002910600.26), dbSNP rs374460842, ClinGen allele CA566403.

ClinVar aggregate classification (germline): Benign/Likely benign. Review status: criteria provided, multiple submitters, no conflicts (2 of 4 stars). 3 submissions from 3 submitters: Benign (1); Likely benign (1). 1 of the submissions does not count toward it. Last evaluated 2025-08-29.

Conditions:
CAMTA1-related disorder. Also called: CAMTA1-related condition.

Allele frequency attached by ClinVar (database versions not stated): ESP Exome Variant Server 0.00008; 1000 Genomes Project 30x 0.00016; 1000 Genomes Project 0.00020; ExAC 0.00030.
gnomAD v4.1: 279 of 1,614,074 alleles (0.017%); highest among the groups gnomAD compares: South Asian, 0.24%; 3 homozygotes.

Submissions (3):

Labcorp Genetics (formerly Invitae), Labcorp
Classification: Benign. Last evaluated: 2025-08-29. Review status: criteria provided, single submitter. Criteria: Invitae Variant Classification Sherloc (09022015). Collection method: clinical testing. Allele origin: germline.

CeGaT Center for Human Genetics Tuebingen
Classification: Likely benign. Last evaluated: 2024-01-01. Review status: criteria provided, single submitter. Criteria: CeGaT Center For Human Genetics Tuebingen Variant Classification Criteria Version 2. Collection method: clinical testing. Allele origin: germline. Affected: yes. Observed: 1 variant allele.
Comment: CAMTA1: BP4, BP7

PreventionGenetics, part of Exact Sciences
Classification: Likely benign for CAMTA1-related condition. Last evaluated: 2019-12-03. Review status: no assertion criteria provided. Collection method: clinical testing. Allele origin: germline. Not counted in ClinVar's aggregate classification.
Comment: This variant is classified as likely benign based on ACMG/AMP sequence variant interpretation guidelines (Richards et al. 2015 PMID: 25741868, with internal and published modifications).